The following is an entry in ClinVar:

NM_000038.6(APC):c.3535T>C (p.Tyr1179His)

Gene: APC (APC regulator of Wnt signaling pathway; plus strand). Cytogenetic location: 5q22.2.
Variant type: single nucleotide variant.
Coding change: c.3535T>C on transcript NM_000038.6 (MANE Select); coding-DNA position 3535, T replaced by C.
Protein change: p.Tyr1179His; replaces tyrosine 1179 with histidine.
Molecular consequence: missense variant.
Genome position (GRCh38, 1-based): chr5:112,839,129, T>C. VCF-style: chr5-112839129-T-C. GRCh37 (hg19) VCF-style: chr5-112174826-T-C.
Other names: c.3535T>C, p.Tyr1179His (NM_001127510.3, NM_001354895.2); c.3481T>C, p.Tyr1161His (NM_001127511.3); c.3589T>C, p.Tyr1197His (NM_001354896.2); c.3565T>C, p.Tyr1189His (NM_001354897.2); c.3460T>C, p.Tyr1154His (NM_001354898.2); c.3451T>C, p.Tyr1151His (NM_001354899.2); c.3412T>C, p.Tyr1138His (NM_001354900.2); c.3358T>C, p.Tyr1120His (NM_001354901.2); and 5 more; short protein forms Y1161H, Y1179H, Y1078H, Y1019H, Y1154H, Y1189H, Y896H, Y1138H.
Identifiers: ClinVar variation 187434 (VCV000187434.35), dbSNP rs751249843, ClinGen allele CA008482.

ClinVar aggregate classification (germline): Uncertain significance. Review status: criteria provided, multiple submitters, no conflicts (2 of 4 stars). 9 submissions from 9 submitters: Uncertain significance (8). 1 of the submissions does not count toward it. Last evaluated 2026-04-30.

Conditions:
Classic or attenuated familial adenomatous polyposis. Identifiers: MedGen CN372698, MONDO:0021057.
Hereditary cancer-predisposing syndrome. Also called: Tumor predisposition; Hereditary Cancer Syndrome; Hereditary neoplastic syndrome; Neoplastic Syndromes, Hereditary. Identifiers: Orphanet 140162, MedGen C0027672, MeSH D009386, MONDO:0015356.
Familial adenomatous polyposis 1 (FAP1). Also called: POLYPOSIS, ADENOMATOUS INTESTINAL; FAMILIAL ADENOMATOUS POLYPOSIS 1, ATTENUATED. Identifiers: MedGen C2713442, MONDO:0021056, OMIM 175100. Disease mechanism: loss of function.

gnomAD v4.1: 31 of 1,614,100 alleles (0.0019%); highest among the groups gnomAD compares: Non-Finnish European, 0.0022%; no homozygotes.

Submissions (9):

Ambry Genetics
Classification: Uncertain significance for Hereditary cancer-predisposing syndrome. Last evaluated: 2026-04-30. Review status: criteria provided, single submitter. Criteria: Ambry Variant Classification Scheme 2023. Collection method: clinical testing. Allele origin: germline.
Comment: The p.Y1179H variant (also known as c.3535T>C), located in coding exon 15 of the APC gene, results from a T to C substitution at nucleotide position 3535. The tyrosine at codon 1179 is replaced by histidine, an amino acid with similar properties. This amino acid position is highly conserved in available vertebrate species. In addition, in silico predictors for this gene do not accurately predict pathogenicity. Missense alterations in APC are not a common cause of disease (Spier I et al. Genet Med. 2024 Feb;26(2):100992). Based on the available evidence, the clinical significance of this variant remains unclear.

Labcorp Genetics (formerly Invitae), Labcorp
Classification: Uncertain significance for Familial adenomatous polyposis 1. Last evaluated: 2026-01-27. Review status: criteria provided, single submitter. Criteria: Invitae Variant Classification Sherloc (09022015). Collection method: clinical testing. Allele origin: germline.
Comment: This sequence change replaces tyrosine, which is neutral and polar, with histidine, which is basic and polar, at codon 1179 of the APC protein (p.Tyr1179His). This variant is present in population databases (rs751249843, gnomAD 0.002%). This variant has not been reported in the literature in individuals affected with APC-related conditions. ClinVar contains an entry for this variant (Variation ID: 187434). Invitae Evidence Modeling of protein sequence and biophysical properties (such as structural, functional, and spatial information, amino acid conservation, physicochemical variation, residue mobility, and thermodynamic stability) indicates that this missense variant is not expected to disrupt APC protein function with a negative predictive value of 95%. In summary, the available evidence is currently insufficient to determine the role of this variant in disease. Therefore, it has been classified as a Variant of Uncertain Significance.

Women's Health and Genetics/Laboratory Corporation of America, LabCorp
Classification: Uncertain significance. Last evaluated: 2025-11-07. Review status: criteria provided, single submitter. Criteria: LabCorp Variant Classification Summary - May 2015. Collection method: clinical testing. Allele origin: germline.
Comment: Variant summary: APC c.3535T>C (p.Tyr1179His) results in a conservative amino acid change in the encoded protein sequence. Algorithms developed to predict the effect of missense changes on protein structure and function are either unavailable or do not agree on the potential impact of this missense change. The variant allele was found at a frequency of 8e-06 in 249950 control chromosomes. The available data on variant occurrences in the general population are insufficient to allow any conclusion about variant significance. To our knowledge, no occurrence of c.3535T>C in individuals affected with APC-related conditions and no experimental evidence demonstrating its impact on protein function have been reported. ClinVar contains an entry for this variant (Variation ID: 187434). Based on the evidence outlined above, the variant was classified as uncertain significance.

GeneDx
Classification: Uncertain significance. Last evaluated: 2025-03-11. Review status: criteria provided, single submitter. Criteria: GeneDx Variant Classification Process June 2021. Collection method: clinical testing. Allele origin: germline. Affected: yes.
Comment: Not observed at significant frequency in large population cohorts (gnomAD); In silico analysis indicates that this missense variant does not alter protein structure/function; Has not been previously published as pathogenic or benign to our knowledge

Color Diagnostics, LLC DBA Color Health
Classification: Uncertain significance for Hereditary cancer-predisposing syndrome. Last evaluated: 2024-03-06. Review status: criteria provided, single submitter. Criteria: ACMG Guidelines, 2015. Collection method: clinical testing. Allele origin: germline.
Comment: This missense variant replaces tyrosine with histidine at codon 1179 of the APC protein. Computational prediction suggests that this variant may have deleterious impact on protein structure and function (internally defined REVEL score threshold >= 0.7, PMID: 27666373). To our knowledge, functional studies have not been reported for this variant. This variant has not been reported in individuals affected with APC-related disorders in the literature. This variant has been identified in 2/249950 chromosomes in the general population by the Genome Aggregation Database (gnomAD). The available evidence is insufficient to determine the role of this variant in disease conclusively. Therefore, this variant is classified as a Variant of Uncertain Significance.

Baylor Genetics
Classification: Uncertain significance for Familial adenomatous polyposis 1. Last evaluated: 2023-10-15. Review status: criteria provided, single submitter. Criteria: ACMG Guidelines, 2015. Collection method: clinical testing. Allele origin: unknown.

All of Us Research Program, National Institutes of Health
Classification: Uncertain significance for Classic or attenuated familial adenomatous polyposis. Last evaluated: 2023-10-02. Review status: criteria provided, single submitter. Criteria: ACMG Guidelines, 2015. Collection method: clinical testing. Allele origin: germline. Inheritance: Autosomal dominant inheritance. Observed: 2 variant alleles, 2 heterozygotes.
Comment: This missense variant replaces tyrosine with histidine at codon 1179 of the APC protein. Computational prediction suggests that this variant may have deleterious impact on protein structure and function (internally defined REVEL score threshold >= 0.7, PMID: 27666373). To our knowledge, functional studies have not been reported for this variant. This variant has not been reported in individuals affected with APC-related disorders in the literature. This variant has been identified in 2/249950 chromosomes in the general population by the Genome Aggregation Database (gnomAD). The available evidence is insufficient to determine the role of this variant in disease conclusively. Therefore, this variant is classified as a Variant of Uncertain Significance.

This study involves interpretation of variants in research participants for the purpose of population health screening. Participant phenotype was not available at the time of variant classification. Additional details can be found in publication PMID: 35346344, PMCID: PMC8962531

Myriad Genetics, Inc.
Classification: Uncertain significance for Familial adenomatous polyposis 1. Last evaluated: 2023-02-16. Review status: criteria provided, single submitter. Criteria: Myriad Autosomal Dominant, Autosomal Recessive and X-Linked Classification Criteria (2023). Collection method: clinical testing. Allele origin: unknown.
Comment: This variant is classified as a variant of uncertain significance as there is insufficient evidence to determine its impact on protein function and/or cancer risk.

Counsyl
Classification: Uncertain significance for Familial adenomatous polyposis 1. Last evaluated: 2017-02-16. Review status: no assertion criteria provided. Collection method: clinical testing. Allele origin: unknown. Not counted in ClinVar's aggregate classification.